The following is an entry in ClinVar:

ClinVar aggregate classification (germline): Uncertain significance. Review status: criteria provided, multiple submitters, no conflicts (2 of 4 stars). 3 submissions from 3 submitters: Uncertain significance (3). Last evaluated 2026-01-11.

Conditions:
Inborn genetic diseases. Identifiers: MedGen C0950123, MeSH D030342.

Allele frequency attached by ClinVar (database versions not stated): ExAC 0.00002; gnomAD exomes 0.00003; gnomAD 0.00012 and 0.00013; TOPMed 0.00046; 1000 Genomes Project 0.00060; 1000 Genomes Project 30x 0.00062.
gnomAD v4.1: 40 of 1,614,046 alleles (0.0025%); highest among the groups gnomAD compares: Admixed American, 0.053%; no homozygotes.

Submissions (3):

Labcorp Genetics (formerly Invitae), Labcorp
Classification: Uncertain significance. Last evaluated: 2026-01-11. Review status: criteria provided, single submitter. Criteria: Invitae Variant Classification Sherloc (09022015). Collection method: clinical testing. Allele origin: germline.
Comment: This sequence change replaces arginine, which is basic and polar, with leucine, which is neutral and non-polar, at codon 192 of the TRIM37 protein (p.Arg192Leu). This variant is present in population databases (rs145646263, gnomAD 0.009%). This variant has not been reported in the literature in individuals affected with TRIM37-related conditions. ClinVar contains an entry for this variant (Variation ID: 1375787). Invitae Evidence Modeling of protein sequence and biophysical properties (such as structural, functional, and spatial information, amino acid conservation, physicochemical variation, residue mobility, and thermodynamic stability) indicates that this missense variant is expected to disrupt TRIM37 protein function with a positive predictive value of 80%. In summary, the available evidence is currently insufficient to determine the role of this variant in disease. Therefore, it has been classified as a Variant of Uncertain Significance.

Ambry Genetics
Classification: Uncertain significance for Inborn genetic diseases. Last evaluated: 2025-08-05. Review status: criteria provided, single submitter. Criteria: Ambry Variant Classification Scheme 2023. Collection method: clinical testing. Allele origin: germline.

GeneDx
Classification: Uncertain significance. Last evaluated: 2022-07-27. Review status: criteria provided, single submitter. Criteria: GeneDx Variant Classification Process June 2021. Collection method: clinical testing. Allele origin: germline. Affected: yes.
Comment: In silico analysis supports that this missense variant has a deleterious effect on protein structure/function; Has not been previously published as pathogenic or benign to our knowledge

NM_015294.6(TRIM37):c.575G>T (p.Arg192Leu)

Gene: TRIM37 (tripartite motif containing 37; minus strand). Cytogenetic location: 17q22.
Variant type: single nucleotide variant.
Coding change: c.575G>T on transcript NM_015294.6 (MANE Select); coding-DNA position 575, G replaced by T.
Protein change: p.Arg192Leu; replaces arginine 192 with leucine.
Molecular consequence: missense variant. On other transcripts: 5 prime UTR variant (1), non-coding transcript variant (2).
Genome position (GRCh38, 1-based): chr17:59,079,795, C>A on the plus strand (G>T on the coding strand, the complement: TRIM37 is on the minus strand). VCF-style: chr17-59079795-C-A. GRCh37 (hg19) VCF-style: chr17-57157156-C-A.
Other names: c.575G>T, p.Arg192Leu (NM_001005207.5, NM_001320988.3, NM_001320989.3 and 2 more transcripts); c.473G>T, p.Arg158Leu (NM_001320987.3, NM_001353082.2); c.209G>T, p.Arg70Leu (NM_001320990.3); c.-178G>T (NM_001353083.2); c.113G>T, p.Arg38Leu (NM_001353085.2); c.575G>T (NM_015294.3); short protein forms R38L, R70L, R158L, R192L.
Identifiers: ClinVar variation 1375787 (VCV001375787.7), dbSNP rs145646263, ClinGen allele CA8678584.
Genomic context (GRCh38, chr17:59,079,795, plus strand): 5'-AGCATACATAAACACTTACCCATCAGTGTTATAAGCTTATTCTTCAGCTGTGTGTCTAAC[C>A]GTGCAATCATCATCTCCACTGCATTCCTAATTTCCCGAACACGCTCATCTTTTGCATTTC-3'
Protein context (NP_056109.1, residues 182-202): IRNAVEMMIA[Arg192Leu]LDTQLKNKLI